The following is an entry in ClinVar:

NM_000091.5(COL4A3):c.63G>A (p.Leu21=)

Genes: COL4A3 (collagen type IV alpha 3 chain; plus strand), LOC129935730 (ATAC-STARR-seq lymphoblastoid silent region 12397; plus strand). Cytogenetic location: 2q36.3.
Variant type: single nucleotide variant.
Coding change: c.63G>A on transcript NM_000091.5 (MANE Select); coding-DNA position 63, G replaced by A.
Protein change: p.Leu21=; no amino-acid change (leucine 21 retained).
Molecular consequence: synonymous variant.
Genome position (GRCh38, 1-based): chr2:227,164,789, G>A. VCF-style: chr2-227164789-G-A. GRCh37 (hg19) VCF-style: chr2-228029505-G-A.
Other names: c.63G>A (NM_000091.4).
Identifiers: ClinVar variation 1004853 (VCV001004853.12), dbSNP rs1036829250, ClinGen allele CA66565544.

ClinVar aggregate classification (germline): Likely benign. Review status: criteria provided, multiple submitters, no conflicts (2 of 4 stars). 4 submissions from 4 submitters: Likely benign (3). 1 of the submissions does not count toward it. Last evaluated 2025-06-12.

Conditions:
Autosomal dominant Alport syndrome (ATS3A). Also called: Alport syndrome dominant type; Renal failure and sensorineural hearing loss; ALPORT SYNDROME 3A, AUTOSOMAL DOMINANT. Identifiers: Orphanet 63, Orphanet 88918, MedGen C5882663, MONDO:0007086, OMIM 104200.
Alport syndrome 3b, autosomal recessive. Identifiers: MedGen C5882699, MONDO:0957811, OMIM 620536.
Hematuria, benign familial, 2 (BFH2). Identifiers: MedGen C5830421, MONDO:0958186, OMIM 620320.
COL4A3-related disorder. Also called: COL4A3-Related Disorders; COL4A3-related condition.
Alport syndrome. Also called: Hemorrhagic familial nephritis; Hemorrhagic hereditary nephritis; Congenital hereditary hematuria. Identifiers: Orphanet 63, MedGen C1567741, MONDO:0018965.

Allele frequency attached by ClinVar (database versions not stated): gnomAD exomes 0.00001; TOPMed 0.00005; gnomAD 0.00007 and 0.00008.
gnomAD v4.1: 21 of 1,519,818 alleles (0.0014%); highest among the groups gnomAD compares: African/African-American, 0.03%; no homozygotes.

Submissions (4):

Labcorp Genetics (formerly Invitae), Labcorp
Classification: Likely benign. Last evaluated: 2025-06-12. Review status: criteria provided, single submitter. Criteria: Invitae Variant Classification Sherloc (09022015). Collection method: clinical testing. Allele origin: germline.

PreventionGenetics, part of Exact Sciences
Classification: Likely benign for COL4A3-related condition. Last evaluated: 2025-03-31. Review status: criteria provided, single submitter. Criteria: ACMG Guidelines, 2015. Collection method: clinical testing. Allele origin: germline.
Comment: This variant is classified as likely benign based on ACMG/AMP sequence variant interpretation guidelines (Richards et al. 2015 PMID: 25741868, with internal and published modifications).

Fulgent Genetics
Classification: Likely benign for Autosomal dominant Alport syndrome; Hematuria, benign familial, 2; Alport syndrome 3b, autosomal recessive. Last evaluated: 2024-05-29. Review status: criteria provided, single submitter. Criteria: ACMG Guidelines, 2015. Collection method: clinical testing. Allele origin: germline.

Natera, Inc.
Classification: Uncertain significance for Alport syndrome. Last evaluated: 2020-04-18. Review status: no assertion criteria provided. Collection method: clinical testing. Allele origin: germline. Not counted in ClinVar's aggregate classification.